The following is an entry in ClinVar:

NM_006907.4(PYCR1):c.180G>A (p.Val60=)

Gene: PYCR1 (pyrroline-5-carboxylate reductase 1; minus strand). Cytogenetic location: 17q25.3.
Variant type: single nucleotide variant.
Coding change: c.180G>A on transcript NM_006907.4 (MANE Select); coding-DNA position 180, G replaced by A.
Protein change: p.Val60=; no amino-acid change (valine 60 retained).
Molecular consequence: synonymous variant.
Genome position (GRCh38, 1-based): chr17:81,935,475, C>T on the plus strand (G>A on the coding strand, the complement: PYCR1 is on the minus strand). VCF-style: chr17-81935475-C-T. GRCh37 (hg19) VCF-style: chr17-79893351-C-T.
Other names: c.180G>A, p.Val60= (NM_001282279.2, NM_001282280.2, NM_001330523.2 and 1 more transcripts); c.261G>A, p.Val87= (NM_001282281.2).
Identifiers: ClinVar variation 325912 (VCV000325912.22), dbSNP rs142458410, ClinGen allele CA8845536.
Genomic context (GRCh38, chr17:81,935,475, plus strand): 5'-ATCCAGGATGAAGGGGATGATGTGTGGCTTCACAGCCAGGAAGAGCACATCACTGTGCTG[C>T]ACCGTCTCCTTGTTGTGGGGTGTCAACTTCACCCCCATCTTCTGCAGGGGCAACAGGTGG-3'
Protein context (NP_008838.2, residues 50-70): VKLTPHNKET[Val60=]QHSDVLFLAV

ClinVar aggregate classification (germline): Conflicting classifications of pathogenicity. Review status: criteria provided, conflicting classifications (1 of 4 stars). 4 submissions from 4 submitters: Uncertain significance (1); Benign (1); Likely benign (2). Last evaluated 2026-01-09.

Conditions:
Cutis laxa. Identifiers: Orphanet 209, MedGen C0010495, MONDO:0016175, HP:0000973.

Allele frequency attached by ClinVar (database versions not stated): gnomAD exomes 0.00006 and 0.00013; gnomAD 0.00009; TOPMed 0.00009; ExAC 0.00013; ESP Exome Variant Server 0.00015.

Submissions (4):

Labcorp Genetics (formerly Invitae), Labcorp
Classification: Benign. Last evaluated: 2026-01-09. Review status: criteria provided, single submitter. Criteria: Invitae Variant Classification Sherloc (09022015). Collection method: clinical testing. Allele origin: germline.

CeGaT Center for Human Genetics Tuebingen
Classification: Likely benign. Last evaluated: 2025-09-01. Review status: criteria provided, single submitter. Criteria: CeGaT Center For Human Genetics Tuebingen Variant Classification Criteria Version 2. Collection method: clinical testing. Allele origin: germline. Affected: yes. Observed: 1 variant allele.
Comment: PYCR1: BP4, BP7

GeneDx
Classification: Likely benign. Last evaluated: 2020-09-17. Review status: criteria provided, single submitter. Criteria: GeneDx Variant Classification Process June 2021. Collection method: clinical testing. Allele origin: germline. Affected: yes.

Illumina Laboratory Services, Illumina
Classification: Uncertain significance for Cutis laxa. Last evaluated: 2018-01-13. Review status: criteria provided, single submitter. Criteria: ICSL Variant Classification Criteria 13 December 2019. Collection method: clinical testing. Allele origin: germline.